The following is an entry in ClinVar:

ClinVar aggregate classification (germline): Pathogenic (1 of 4 stars; one submission).

Conditions:
Peutz-Jeghers syndrome (PJS). Also called: POLYPOSIS, HAMARTOMATOUS INTESTINAL; POLYPS-AND-SPOTS SYNDROME; Peutz-Jeghers polyposis; Periorificial lentiginosis syndrome. Identifiers: Orphanet 2869, MedGen C0031269, MeSH D010580, MONDO:0008280, OMIM 175200.

Submission:

Labcorp Genetics (formerly Invitae), Labcorp
Classification: Pathogenic for Peutz-Jeghers syndrome. Last evaluated: 2022-07-13. Review status: criteria provided, single submitter. Criteria: Invitae Variant Classification Sherloc (09022015). Collection method: clinical testing. Allele origin: germline.
Comment: This sequence change creates a premature translational stop signal (p.Met129Trpfs*32) in the STK11 gene. It is expected to result in an absent or disrupted protein product. Loss-of-function variants in STK11 are known to be pathogenic (PMID: 15188174, 16287113). For these reasons, this variant has been classified as Pathogenic. Algorithms developed to predict the effect of sequence changes on RNA splicing suggest that this variant may disrupt the consensus splice site. This variant has not been reported in the literature in individuals affected with STK11-related conditions. This variant is not present in population databases (gnomAD no frequency).

Literature cited by the submitters: PubMed 15188174; PubMed 16287113.

NM_000455.5(STK11):c.385del (p.Met129fs)

Gene: STK11 (serine/threonine kinase 11; plus strand). Cytogenetic location: 19p13.3.
Variant type: Deletion.
Coding change: c.385del on transcript NM_000455.5 (MANE Select); coding-DNA position 385, one base deleted (A; older notation c.385delA).
Protein change: p.Met129fs; shifts the reading frame from methionine 129.
Molecular consequence: frameshift variant.
Genome position (GRCh38, 1-based): chr19:1,219,334, A deleted. VCF-style (leftmost placement, unchanged base first): chr19-1219333-GA-G. GRCh37 (hg19) VCF-style: chr19-1219332-GA-G.
Other names: c.385delA, p.Met129Trpfs (NM_001407255.1); short protein forms M129fs.
Identifiers: ClinVar variation 2016738 (VCV002016738.4), dbSNP rs2512940206, ClinGen allele CA2580096033.